The following is an entry in ClinVar:

ClinVar aggregate classification (germline): Pathogenic. Review status: criteria provided, multiple submitters, no conflicts (2 of 4 stars). 3 submissions from 3 submitters: Pathogenic (3). Last evaluated 2024-01-11.

Conditions:
Hereditary cancer-predisposing syndrome. Also called: Hereditary neoplastic syndrome; Neoplastic Syndromes, Hereditary; Tumor predisposition; Hereditary Cancer Syndrome. Identifiers: Orphanet 140162, MedGen C0027672, MeSH D009386, MONDO:0015356.
Familial cancer of breast. Also called: BREAST CANCER, FAMILIAL; Hereditary breast cancer; hereditary breast carcinoma. Identifiers: Orphanet 227535, MedGen C0346153, MONDO:0016419, OMIM 114480. Disease mechanism: loss of function.
Ataxia-telangiectasia syndrome (AT). Also called: LOUIS-BAR SYNDROME; Cerebello-oculocutaneous telangiectasia; Immunodeficiency with ataxia telangiectasia; AT, COMPLEMENTATION GROUP C; Ataxia-telangiectasia, complementation group D; ATAXIA-TELANGIECTASIA, COMPLEMENTATION GROUP A. Identifiers: Orphanet 100, MedGen C0004135, MONDO:0008840, OMIM 208900.

Submissions (3):

Myriad Genetics, Inc.
Classification: Pathogenic for Familial cancer of breast. Last evaluated: 2024-01-11. Review status: criteria provided, single submitter. Criteria: Myriad Autosomal Dominant, Autosomal Recessive and X-Linked Classification Criteria (2023). Collection method: clinical testing. Allele origin: unknown.
Comment: This variant is considered pathogenic. This variant creates a frameshift predicted to result in premature protein truncation.

Labcorp Genetics (formerly Invitae), Labcorp
Classification: Pathogenic for Ataxia-telangiectasia syndrome. Last evaluated: 2023-08-01. Review status: criteria provided, single submitter. Criteria: Invitae Variant Classification Sherloc (09022015). Collection method: clinical testing. Allele origin: germline.
Comment: For these reasons, this variant has been classified as Pathogenic. ClinVar contains an entry for this variant (Variation ID: 481152). This variant has not been reported in the literature in individuals affected with ATM-related conditions. This variant is not present in population databases (gnomAD no frequency). This sequence change creates a premature translational stop signal (p.Gln286Lysfs*34) in the ATM gene. It is expected to result in an absent or disrupted protein product. Loss-of-function variants in ATM are known to be pathogenic (PMID: 23807571, 25614872).

Ambry Genetics
Classification: Pathogenic for Hereditary cancer-predisposing syndrome. Last evaluated: 2017-05-15. Review status: criteria provided, single submitter. Criteria: Ambry Variant Classification Scheme 2023. Collection method: clinical testing. Allele origin: germline.
Comment: The c.855delG pathogenic mutation, located in coding exon 6 of the ATM gene, results from a deletion of one nucleotide at nucleotide position 855, causing a translational frameshift with a predicted alternate stop codon (p.Q286Kfs*34). This alteration is expected to result in loss of function by premature protein truncation or nonsense-mediated mRNA decay. As such, this alteration is interpreted as a disease-causing mutation.

Literature cited by the submitters: PubMed 23807571 (cited by Labcorp Genetics (formerly Invitae), Labcorp); PubMed 25614872 (cited by Labcorp Genetics (formerly Invitae), Labcorp).

NM_000051.4(ATM):c.855del (p.Gln286fs)

Gene: ATM (ATM serine/threonine kinase; plus strand). Cytogenetic location: 11q22.3.
Variant type: Deletion.
Coding change: c.855del on transcript NM_000051.4 (MANE Select); coding-DNA position 855, one base deleted (G; older notation c.855delG).
Protein change: p.Gln286fs; shifts the reading frame from glutamine 286.
Molecular consequence: frameshift variant.
Genome position (GRCh38, 1-based): chr11:108,244,980, G deleted. VCF-style (leftmost placement, unchanged base first): chr11-108244979-TG-T. GRCh37 (hg19) VCF-style: chr11-108115706-TG-T.
Other names: c.855delG (NM_000051.3); c.855del, p.Gln286fs (NM_001351834.2); short protein forms Q286fs.
Identifiers: ClinVar variation 481152 (VCV000481152.8), dbSNP rs1555067251, ClinGen allele CA658656191.
Genomic context (GRCh38, chr11:108,244,979, plus strand): 5'-TTTGGACTCAACATAGGCTTAATGATTCTTTAAAAGAAGTCATTATTGAATTATTTCAAC[TG>T]CAAATTTATATCCATCATCCGAAAGGAGCCAAAACCCAAGAAAAAGGTATAAAGGAAATG-3'